The following is an entry in ClinVar:

NM_006044.4(HDAC6):c.92C>G (p.Ser31Trp)

Gene: HDAC6 (histone deacetylase 6; plus strand). Cytogenetic location: Xp11.23.
Variant type: single nucleotide variant.
Coding change: c.92C>G on transcript NM_006044.4 (MANE Select); coding-DNA position 92, C replaced by G.
Protein change: p.Ser31Trp; replaces serine 31 with tryptophan.
Molecular consequence: missense variant. On other transcripts: non-coding transcript variant (1).
Genome position (GRCh38, 1-based): chrX:48,802,784, C>G. VCF-style: chrX-48802784-C-G. GRCh37 (hg19) VCF-style: chrX-48661191-C-G.
Other names: c.92C>G, p.Ser31Trp (NM_001321231.2, NM_001321226.2, NM_001321227.2 and 3 more transcripts); c.92C>G (NM_006044.2); c.134C>G, p.Ser45Trp (NM_001321225.2); short protein forms S31W, S45W.
Identifiers: ClinVar variation 2660468 (VCV002660468.25), dbSNP rs141268593, ClinGen allele CA10404764.

ClinVar aggregate classification (germline): Conflicting classifications of pathogenicity. Review status: criteria provided, conflicting classifications (1 of 4 stars). 2 submissions from 2 submitters: Uncertain significance (1); Likely benign (1). Last evaluated 2025-02-26.

gnomAD v4.1: 17 of 1,204,965 alleles (0.0014%); highest among the groups gnomAD compares: African/African-American, 0.03%; no homozygotes.

Submissions (2):

Ambry Genetics
Classification: Uncertain significance. Last evaluated: 2025-02-26. Review status: criteria provided, single submitter. Criteria: Ambry Variant Classification Scheme 2023. Collection method: clinical testing. Allele origin: germline.

CeGaT Center for Human Genetics Tuebingen
Classification: Likely benign. Last evaluated: 2022-11-01. Review status: criteria provided, single submitter. Criteria: CeGaT Center For Human Genetics Tuebingen Variant Classification Criteria Version 2. Collection method: clinical testing. Allele origin: germline. Affected: yes. Observed: 1 variant allele.
Comment: HDAC6: BP4, BS2